The following is an entry in ClinVar:

ClinVar aggregate classification (germline): Uncertain significance (1 of 4 stars; one submission).

Conditions:
MACF1-related disorder. Also called: MACF1-related condition.

Submission:

PreventionGenetics, part of Exact Sciences
Classification: Uncertain significance for MACF1-related condition. Last evaluated: 2024-12-21. Review status: criteria provided, single submitter. Criteria: ACMG Guidelines, 2015. Collection method: clinical testing. Allele origin: germline.
Comment: The MACF1 c.13315A>G variant is predicted to result in the amino acid substitution p.Arg4439Gly. To our knowledge, this variant has not been reported in the literature or in a large population database (gnomAD), indicating this variant is rare. At this time, the clinical significance of this variant is uncertain due to the absence of conclusive functional and genetic evidence.

NM_001394062.1(MACF1):c.19492A>G (p.Arg6498Gly)

Gene: MACF1 (microtubule actin crosslinking factor 1; plus strand). Cytogenetic location: 1p34.3.
Variant type: single nucleotide variant.
Coding change: c.19492A>G on transcript NM_001394062.1 (MANE Select); coding-DNA position 19492, A replaced by G.
Protein change: p.Arg6498Gly; replaces arginine 6498 with glycine.
Molecular consequence: missense variant.
Genome position (GRCh38, 1-based): chr1:39,444,722, A>G. VCF-style: chr1-39444722-A-G. GRCh37 (hg19) VCF-style: chr1-39910394-A-G.
Other names: c.7570A>G, p.Arg2524Gly (NM_001397473.1); c.13315A>G, p.Arg4439Gly (NM_012090.5); short protein forms R2524G, R4439G, R6498G.
Identifiers: ClinVar variation 4998450 (VCV004998450.1).